The following is an entry in ClinVar:

ClinVar aggregate classification (germline): Uncertain significance (1 of 4 stars; one submission).

Conditions:
Long QT syndrome 11 (LQT11). Identifiers: Orphanet 101016, Orphanet 768, MedGen C2678483, MONDO:0012738, OMIM 611820.

Submission:

Centre for Mendelian Genomics, University Medical Centre Ljubljana
Classification: Uncertain significance for Long QT syndrome 11. Last evaluated: 2020-02-19. Review status: criteria provided, single submitter. Criteria: ACMG Guidelines, 2015. Collection method: clinical testing. Allele origin: unknown. Affected: yes.
Comment: This variant was classified as: Uncertain significance. The available evidence on this variant's pathogenicity is insufficient or conflicting. The following ACMG criteria were applied in classifying this variant: PM2,PP3.

NM_005751.5(AKAP9):c.5621C>T (p.Thr1874Ile)

Gene: AKAP9 (A-kinase anchoring protein 9; plus strand). Cytogenetic location: 7q21.2.
Variant type: single nucleotide variant.
Coding change: c.5621C>T on transcript NM_005751.5 (MANE Select); coding-DNA position 5621, C replaced by T.
Protein change: p.Thr1874Ile; replaces threonine 1874 with isoleucine.
Molecular consequence: missense variant.
Genome position (GRCh38, 1-based): chr7:92,061,279, C>T. VCF-style: chr7-92061279-C-T. GRCh37 (hg19) VCF-style: chr7-91690593-C-T.
Other names: c.266C>T, p.Thr89Ile (NM_001379277.1); c.5621C>T, p.Thr1874Ile (NM_147185.3); short protein forms T1874I, T89I.
Identifiers: ClinVar variation 931292 (VCV000931292.3), dbSNP rs1809737574, ClinGen allele CA368131480.